The following is an entry in ClinVar:

ClinVar aggregate classification (germline): Uncertain significance. Review status: criteria provided, multiple submitters, no conflicts (2 of 4 stars). 3 submissions from 3 submitters: Uncertain significance (3). Last evaluated 2023-08-23.

Conditions:
Fanconi anemia (FA). Also called: Fanconi's anemia. Identifiers: Orphanet 84, MedGen C0015625, MeSH D005199, MONDO:0019391.
Fanconi anemia complementation group D2. Also called: FANCONI PANCYTOPENIA, TYPE 4; FANCONI ANEMIA, COMPLEMENTATION GROUP D; FANCD2-Related Fanconi Anemia. Identifiers: Orphanet 84, MedGen C3160738, MONDO:0009214, OMIM 227646.

Allele frequency attached by ClinVar (database versions not stated): gnomAD exomes below 0.00001 and 0.00002; gnomAD 0.00001; TOPMed 0.00001.
gnomAD v4.1: 31 of 1,612,714 alleles (0.0019%); highest among the groups gnomAD compares: Non-Finnish European, 0.0025%; no homozygotes.

Submissions (3):

GeneDx
Classification: Uncertain significance. Last evaluated: 2023-08-23. Review status: criteria provided, single submitter. Criteria: GeneDx Variant Classification Process June 2021. Collection method: clinical testing. Allele origin: germline. Affected: yes.
Comment: Not observed at significant frequency in large population cohorts (gnomAD); In silico analysis supports that this missense variant has a deleterious effect on protein structure/function; Has not been previously published as pathogenic or benign to our knowledge

Labcorp Genetics (formerly Invitae), Labcorp
Classification: Uncertain significance for Fanconi anemia. Last evaluated: 2022-08-29. Review status: criteria provided, single submitter. Criteria: Invitae Variant Classification Sherloc (09022015). Collection method: clinical testing. Allele origin: germline.
Comment: This sequence change replaces proline, which is neutral and non-polar, with serine, which is neutral and polar, at codon 727 of the FANCD2 protein (p.Pro727Ser). This variant is present in population databases (no rsID available, gnomAD 0.007%). This variant has not been reported in the literature in individuals affected with FANCD2-related conditions. ClinVar contains an entry for this variant (Variation ID: 1327084). Algorithms developed to predict the effect of missense changes on protein structure and function output the following: SIFT: "Tolerated"; PolyPhen-2: "Benign"; Align-GVGD: "Class C0". The serine amino acid residue is found in multiple mammalian species, which suggests that this missense change does not adversely affect protein function. In summary, the available evidence is currently insufficient to determine the role of this variant in disease. Therefore, it has been classified as a Variant of Uncertain Significance.

Baylor Genetics
Classification: Uncertain significance for Fanconi anemia complementation group D2. Last evaluated: 2021-02-09. Review status: criteria provided, single submitter. Criteria: ACMG Guidelines, 2015. Collection method: clinical testing. Allele origin: unknown. Affected: yes. Study: CSER-TexasKidsCanSeq.
Comment: This variant was determined to be of uncertain significance according to ACMG Guidelines, 2015 [PMID:25741868].

NM_001018115.3(FANCD2):c.2179C>T (p.Pro727Ser)

Genes: FANCD2 (FA complementation group D2; plus strand), LOC107303338 (3p25 FANCD2 Alu-mediated recombination region; plus strand). Cytogenetic location: 3p25.3.
Variant type: single nucleotide variant.
Coding change: c.2179C>T on transcript NM_001018115.3 (MANE Select); coding-DNA position 2179, C replaced by T.
Protein change: p.Pro727Ser; replaces proline 727 with serine.
Molecular consequence: missense variant.
Genome position (GRCh38, 1-based): chr3:10,065,404, C>T. VCF-style: chr3-10065404-C-T. GRCh37 (hg19) VCF-style: chr3-10107088-C-T.
Other names: c.2179C>T, p.Pro727Ser (NM_001319984.2, NM_001374254.1, NM_033084.6); c.2068C>T, p.Pro690Ser (NM_001374253.1); c.2179C>T (NM_033084.3); short protein forms P690S, P727S.
Identifiers: ClinVar variation 1327084 (VCV001327084.5), dbSNP rs911843298, ClinGen allele CA70014806.